The following is an entry in ClinVar:

NM_000264.5(PTCH1):c.1276A>G (p.Thr426Ala)

Gene: PTCH1 (patched 1; minus strand). Cytogenetic location: 9q22.32.
Variant type: single nucleotide variant.
Coding change: c.1276A>G on transcript NM_000264.5 (MANE Select); coding-DNA position 1276, A replaced by G.
Protein change: p.Thr426Ala; replaces threonine 426 with alanine.
Molecular consequence: missense variant. On other transcripts: non-coding transcript variant (1).
Genome position (GRCh38, 1-based): chr9:95,478,126, T>C on the plus strand (A>G on the coding strand, the complement: PTCH1 is on the minus strand). VCF-style: chr9-95478126-T-C. GRCh37 (hg19) VCF-style: chr9-98240408-T-C.
Other names: c.1078A>G, p.Thr360Ala (NM_001083602.3); c.1273A>G, p.Thr425Ala (NM_001083603.3); c.823A>G, p.Thr275Ala (NM_001083604.3, NM_001083605.3, NM_001083606.3 and 1 more transcripts); c.1276A>G, p.Thr426Ala (NM_001354918.2); short protein forms T275A, T360A, T426A, T425A.
Identifiers: ClinVar variation 2856165 (VCV002856165.4), dbSNP rs2118335194, ClinGen allele CA374118847.
Genomic context (GRCh38, chr9:95,478,126, plus strand): 5'-AGCCGCTGGCCACGCGGATGACACTGACGTCAGAGAAGGATTTCAGGATGTCGTCCAGGG[T>C]CGTGGTGGTGAAGGAAAGCACCTTTTGAGTGGAGTTCTGTGCGACACTCTGATGAACCAC-3'
Protein context (NP_000255.2, residues 416-436): TQKVLSFTTT[Thr426Ala]LDDILKSFSD

ClinVar aggregate classification (germline): Uncertain significance. Review status: criteria provided, multiple submitters, no conflicts (2 of 4 stars). 2 submissions from 2 submitters: Uncertain significance (2). Last evaluated 2024-11-08.

Conditions:
Gorlin syndrome. Also called: Nevoid Basal Cell Carcinoma Syndrome; Basal cell nevus syndrome. Identifiers: Orphanet 377, MedGen C0004779, MONDO:0007187.

Submissions (2):

GeneDx
Classification: Uncertain significance. Last evaluated: 2024-11-08. Review status: criteria provided, single submitter. Criteria: GeneDx Variant Classification Process June 2021. Collection method: clinical testing. Allele origin: germline. Affected: yes.
Comment: Not observed at significant frequency in large population cohorts (gnomAD); In silico analysis supports that this missense variant has a deleterious effect on protein structure/function; Has not been previously published as pathogenic or benign to our knowledge; This variant is associated with the following publications: (PMID: 8906794)

Labcorp Genetics (formerly Invitae), Labcorp
Classification: Uncertain significance for Gorlin syndrome. Last evaluated: 2023-04-17. Review status: criteria provided, single submitter. Criteria: Invitae Variant Classification Sherloc (09022015). Collection method: clinical testing. Allele origin: germline.
Comment: This sequence change replaces threonine, which is neutral and polar, with alanine, which is neutral and non-polar, at codon 426 of the PTCH1 protein (p.Thr426Ala). In summary, the available evidence is currently insufficient to determine the role of this variant in disease. Therefore, it has been classified as a Variant of Uncertain Significance. Advanced modeling of protein sequence and biophysical properties (such as structural, functional, and spatial information, amino acid conservation, physicochemical variation, residue mobility, and thermodynamic stability) performed at Invitae indicates that this missense variant is not expected to disrupt PTCH1 protein function. This variant has not been reported in the literature in individuals affected with PTCH1-related conditions. This variant is not present in population databases (gnomAD no frequency).